The following is an entry in ClinVar:

ClinVar aggregate classification (germline): Uncertain significance (1 of 4 stars; one submission).

Conditions:
Developmental and epileptic encephalopathy, 1 (DEE1). Also called: OHTAHARA SYNDROME, X-LINKED; INFANTILE SPASM SYNDROME, X-LINKED 1; Epileptic encephalopathy, early infantile, 1; X-linked infantile spasms; West's syndrome; Tonic spasms with clustering, arrest of psychomotor development and hypsarrhythmia on EEG. Identifiers: MedGen C3463992, MONDO:0010632, OMIM 308350. Disease mechanism: loss of function.
Autosomal recessive spinocerebellar ataxia 12. Also called: SPINOCEREBELLAR ATAXIA WITH MENTAL RETARDATION AND EPILEPSY. Identifiers: Orphanet 284282, MedGen C3280452, MONDO:0013687, OMIM 614322.

Submission:

Labcorp Genetics (formerly Invitae), Labcorp
Classification: Uncertain significance for Developmental and epileptic encephalopathy, 1; Autosomal recessive spinocerebellar ataxia 12. Last evaluated: 2018-01-08. Review status: criteria provided, single submitter. Criteria: Invitae Variant Classification Sherloc (09022015). Collection method: clinical testing. Allele origin: germline.
Comment: This sequence change replaces leucine with methionine at codon 18 of the WWOX protein (p.Leu18Met). The leucine residue is moderately conserved and there is a small physicochemical difference between leucine and methionine. In summary, the available evidence is currently insufficient to determine the role of this variant in disease. Therefore, it has been classified as a Variant of Uncertain Significance. Algorithms developed to predict the effect of missense changes on protein structure and function do not agree on the potential impact of this missense change (SIFT: "Deleterious"; PolyPhen-2: "Probably Damaging"; Align-GVGD: "Class C0"). This variant has not been reported in the literature in individuals with WWOX-related disease. This variant is not present in population databases (ExAC no frequency).

NM_016373.4(WWOX):c.52C>A (p.Leu18Met)

Gene: WWOX (WW domain containing oxidoreductase; plus strand). Cytogenetic location: 16q23.1.
Variant type: single nucleotide variant.
Coding change: c.52C>A on transcript NM_016373.4 (MANE Select); coding-DNA position 52, C replaced by A.
Protein change: p.Leu18Met; replaces leucine 18 with methionine.
Molecular consequence: missense variant. On other transcripts: 5 prime UTR variant (1), non-coding transcript variant (2).
Genome position (GRCh38, 1-based): chr16:78,099,830, C>A. VCF-style: chr16-78099830-C-A. GRCh37 (hg19) VCF-style: chr16-78133727-C-A.
Other names: c.-223C>A (NM_001291997.2); c.52C>A, p.Leu18Met (NM_130791.5); short protein forms L18M.
Identifiers: ClinVar variation 569654 (VCV000569654.7), dbSNP rs776553279, ClinGen allele CA396841832.